The following is an entry in ClinVar:

ClinVar aggregate classification (germline): Conflicting classifications of pathogenicity. Review status: criteria provided, conflicting classifications (1 of 4 stars). 2 submissions from 2 submitters: Uncertain significance (1); Likely benign (1). Last evaluated 2023-07-28.

Allele frequency attached by ClinVar (database versions not stated): gnomAD exomes below 0.00001 and 0.00001.
gnomAD v4.1: 2 of 1,612,650 alleles (0.00012%); highest among the groups gnomAD compares: Admixed American, 0.0033%; no homozygotes.

Submissions (2):

Labcorp Genetics (formerly Invitae), Labcorp
Classification: Likely benign. Last evaluated: 2023-07-28. Review status: criteria provided, single submitter. Criteria: Invitae Variant Classification Sherloc (09022015). Collection method: clinical testing. Allele origin: germline.

GeneDx
Classification: Uncertain significance. Last evaluated: 2019-11-25. Review status: criteria provided, single submitter. Criteria: GeneDx Variant Classification Process June 2021. Collection method: clinical testing. Allele origin: germline. Affected: yes.
Comment: In silico analysis, which includes splice predictors and evolutionary conservation, supports that this variant does not alter protein structure/function; Has not been previously published as pathogenic or benign to our knowledge

NM_000260.4(MYO7A):c.5781C>T (p.Phe1927=)

Gene: MYO7A (myosin VIIA; plus strand). Cytogenetic location: 11q13.5.
Variant type: single nucleotide variant.
Coding change: c.5781C>T on transcript NM_000260.4 (MANE Select); coding-DNA position 5781, C replaced by T.
Protein change: p.Phe1927=; no amino-acid change (phenylalanine 1927 retained).
Molecular consequence: synonymous variant.
Genome position (GRCh38, 1-based): chr11:77,207,327, C>T. VCF-style: chr11-77207327-C-T. GRCh37 (hg19) VCF-style: chr11-76918372-C-T.
Other names: c.5667C>T, p.Phe1889= (NM_001127180.2); c.5634C>T, p.Phe1878= (NM_001369365.1).
Identifiers: ClinVar variation 795807 (VCV000795807.11), dbSNP rs1167983525, ClinGen allele CA475797302.